The following is an entry in ClinVar:

ClinVar aggregate classification (germline): Uncertain significance. Review status: criteria provided, multiple submitters, no conflicts (2 of 4 stars). 2 submissions from 2 submitters: Uncertain significance (2). Last evaluated 2021-11-13.

Conditions:
Inborn genetic diseases. Identifiers: MedGen C0950123, MeSH D030342.

Allele frequency attached by ClinVar (database versions not stated): ExAC 0.00002.
gnomAD v4.1: 13 of 1,613,682 alleles (0.00081%); highest among the groups gnomAD compares: East Asian, 0.0045%; no homozygotes.

Submissions (2):

Labcorp Genetics (formerly Invitae), Labcorp
Classification: Uncertain significance. Last evaluated: 2021-11-13. Review status: criteria provided, single submitter. Criteria: Invitae Variant Classification Sherloc (09022015). Collection method: clinical testing. Allele origin: germline.
Comment: This sequence change replaces arginine, which is basic and polar, with glutamine, which is neutral and polar, at codon 380 of the ERCC2 protein (p.Arg380Gln). This variant is present in population databases (rs752646404, gnomAD 0.006%). This variant has not been reported in the literature in individuals affected with ERCC2-related conditions. Algorithms developed to predict the effect of missense changes on protein structure and function (SIFT, PolyPhen-2, Align-GVGD) all suggest that this variant is likely to be tolerated. Algorithms developed to predict the effect of sequence changes on RNA splicing suggest that this variant may create or strengthen a splice site. In summary, the available evidence is currently insufficient to determine the role of this variant in disease. Therefore, it has been classified as a Variant of Uncertain Significance.

Ambry Genetics
Classification: Uncertain significance for Inborn genetic diseases. Last evaluated: 2021-11-05. Review status: criteria provided, single submitter. Criteria: Ambry Variant Classification Scheme 2023. Collection method: clinical testing. Allele origin: germline.

NM_000400.4(ERCC2):c.1139G>A (p.Arg380Gln)

Gene: ERCC2 (ERCC excision repair 2, TFIIH core complex helicase subunit; minus strand). Cytogenetic location: 19q13.32.
Variant type: single nucleotide variant.
Coding change: c.1139G>A on transcript NM_000400.4 (MANE Select); coding-DNA position 1139, G replaced by A.
Protein change: p.Arg380Gln; replaces arginine 380 with glutamine.
Molecular consequence: missense variant.
Genome position (GRCh38, 1-based): chr19:45,361,622, C>T on the plus strand (G>A on the coding strand, the complement: ERCC2 is on the minus strand). VCF-style: chr19-45361622-C-T. GRCh37 (hg19) VCF-style: chr19-45864880-C-T.
Other names: c.1067G>A, p.Arg356Gln (NM_001130867.2); c.1139G>A (NM_000400.3); short protein forms R380Q, R356Q.
Identifiers: ClinVar variation 1405583 (VCV001405583.4), dbSNP rs752646404, ClinGen allele CA9513491.